The following is an entry in ClinVar:

NM_000439.5(PCSK1):c.963C>T (p.Gly321=)

Genes: CAST (calpastatin; plus strand), PCSK1 (proprotein convertase subtilisin/kexin type 1; minus strand), LOC101929710 (uncharacterized LOC101929710; plus strand). Cytogenetic location: 5q15.
Variant type: single nucleotide variant.
Coding change: c.963C>T on transcript NM_000439.5 (MANE Select); coding-DNA position 963, C replaced by T.
Protein change: p.Gly321=; no amino-acid change (glycine 321 retained).
Molecular consequence: synonymous variant. On other transcripts: intron variant (11).
Genome position (GRCh38, 1-based): chr5:96,410,906, G>A on the plus strand (C>T on the coding strand, the complement: PCSK1 is on the minus strand). VCF-style: chr5-96410906-G-A. GRCh37 (hg19) VCF-style: chr5-95746610-G-A.
Other names: c.822C>T, p.Gly274= (NM_001177875.2); c.-175+31254G>A (NM_001423254.1, NM_001423259.1, NM_001423255.1 and 6 more transcripts); c.-103+31254G>A (NM_001423253.1); c.-40+31254G>A (NM_001423258.1).
Identifiers: ClinVar variation 3355387 (VCV003355387.1).

ClinVar aggregate classification (germline): Likely benign (0 of 4 stars; one submission).

Conditions:
PCSK1-related disorder. Also called: PCSK1-related condition.

gnomAD v4.1: 13 of 1,613,608 alleles (0.00081%); highest among the groups gnomAD compares: Middle Eastern, 0.017%; no homozygotes.

Submission:

PreventionGenetics, part of Exact Sciences
Classification: Likely benign for PCSK1-related condition. Last evaluated: 2024-05-02. Review status: no assertion criteria provided. Collection method: clinical testing. Allele origin: germline.
Comment: This variant is classified as likely benign based on ACMG/AMP sequence variant interpretation guidelines (Richards et al. 2015 PMID: 25741868, with internal and published modifications).